The following is an entry in ClinVar:

NM_170784.3(MKKS):c.1358C>A (p.Ala453Asp)

Gene: MKKS (MKKS centrosomal shuttling protein; minus strand). Cytogenetic location: 20p12.2.
Variant type: single nucleotide variant.
Coding change: c.1358C>A on transcript NM_170784.3 (MANE Select); coding-DNA position 1358, C replaced by A.
Protein change: p.Ala453Asp; replaces alanine 453 with aspartic acid.
Molecular consequence: missense variant. On other transcripts: non-coding transcript variant (1).
Genome position (GRCh38, 1-based): chr20:10,405,602, G>T on the plus strand (C>A on the coding strand, the complement: MKKS is on the minus strand). VCF-style: chr20-10405602-G-T. GRCh37 (hg19) VCF-style: chr20-10386250-G-T.
Other names: c.1358C>A, p.Ala453Asp (NM_018848.3); short protein forms A453D.
Identifiers: ClinVar variation 4783721 (VCV004783721.1).
Genomic context (GRCh38, chr20:10,405,602, plus strand): 5'-TTCATGTCAGTGAGAATTTCACCTCCATCATGTTCTAAAGAGCCAACAACAGATTCTAGG[G>T]CACTGCAAAATGCTTCAGCAATTAATTGAAGTTCTGTTTGAGTACATTCATCATCTTTGA-3'
Protein context (NP_740754.1, residues 443-463): LQLIAEAFCS[Ala453Asp]LESVVGSLEH

ClinVar aggregate classification (germline): Uncertain significance (1 of 4 stars; one submission).

Conditions:
Bardet-Biedl syndrome (BBS). Identifiers: Orphanet 110, MedGen C0752166, MONDO:0015229.
McKusick-Kaufman syndrome (MKKS). Also called: HYDROMETROCOLPOS SYNDROME; HYDROMETROCOLPOS, POSTAXIAL POLYDACTYLY, AND CONGENITAL HEART MALFORMATION. Identifiers: Orphanet 2473, MedGen C0948368, MONDO:0009367, OMIM 236700.

Submission:

Labcorp Genetics (formerly Invitae), Labcorp
Classification: Uncertain significance for McKusick-Kaufman syndrome; Bardet-Biedl syndrome. Last evaluated: 2026-01-27. Review status: criteria provided, single submitter. Criteria: Invitae Variant Classification Sherloc (09022015). Collection method: clinical testing. Allele origin: germline.
Comment: This sequence change replaces alanine, which is neutral and non-polar, with aspartic acid, which is acidic and polar, at codon 453 of the MKKS protein (p.Ala453Asp). This variant is present in population databases (no rsID available, gnomAD 0.003%). This variant has not been reported in the literature in individuals affected with MKKS-related conditions. Invitae Evidence Modeling of protein sequence and biophysical properties (such as structural, functional, and spatial information, amino acid conservation, physicochemical variation, residue mobility, and thermodynamic stability) has been performed for this missense variant. However, the output from this modeling did not meet the statistical confidence thresholds required to predict the impact of this variant on MKKS protein function. In summary, the available evidence is currently insufficient to determine the role of this variant in disease. Therefore, it has been classified as a Variant of Uncertain Significance.